The following is an entry in ClinVar:

NM_005228.5(EGFR):c.2607C>T (p.Tyr869=)

Gene: EGFR (epidermal growth factor receptor; plus strand). Cytogenetic location: 7p11.2.
Variant type: single nucleotide variant.
Coding change: c.2607C>T on transcript NM_005228.5 (MANE Select); coding-DNA position 2607, C replaced by T.
Protein change: p.Tyr869=; no amino-acid change (tyrosine 869 retained).
Molecular consequence: synonymous variant.
Genome position (GRCh38, 1-based): chr7:55,191,856, C>T. VCF-style: chr7-55191856-C-T. GRCh37 (hg19) VCF-style: chr7-55259549-C-T.
Other names: c.2472C>T, p.Tyr824= (NM_001346897.2, NM_001346899.2); c.2607C>T, p.Tyr869= (NM_001346898.2); c.2448C>T, p.Tyr816= (NM_001346900.2); c.1806C>T, p.Tyr602= (NM_001346941.2); c.2607C>T (NM_005228.3).
Identifiers: ClinVar variation 1552608 (VCV001552608.10), dbSNP rs2128964696, ClinGen allele CA454965669.

ClinVar aggregate classification (germline): Benign/Likely benign. Review status: criteria provided, multiple submitters, no conflicts (2 of 4 stars). 3 submissions from 3 submitters: Benign (1); Likely benign (2). Last evaluated 2025-08-09.

Conditions:
Lung cancer. Also called: Malignant tumor of lung; Lung cancer, somatic. Identifiers: MedGen C0242379, MONDO:0008903, OMIM 211980.
Hereditary cancer-predisposing syndrome. Also called: Neoplastic Syndromes, Hereditary; Hereditary Cancer Syndrome; Tumor predisposition; Hereditary neoplastic syndrome. Identifiers: Orphanet 140162, MedGen C0027672, MeSH D009386, MONDO:0015356.
EGFR-related lung cancer (EGFR). Identifiers: MedGen CN130014.

Submissions (3):

Labcorp Genetics (formerly Invitae), Labcorp
Classification: Likely benign for EGFR-related lung cancer. Last evaluated: 2025-08-09. Review status: criteria provided, single submitter. Criteria: Invitae Variant Classification Sherloc (09022015). Collection method: clinical testing. Allele origin: germline.

Ambry Genetics
Classification: Likely benign for Hereditary cancer-predisposing syndrome. Last evaluated: 2025-01-20. Review status: criteria provided, single submitter. Criteria: Ambry Variant Classification Scheme 2023. Collection method: clinical testing. Allele origin: germline.

Myriad Genetics, Inc.
Classification: Benign for Lung cancer. Last evaluated: 2024-10-17. Review status: criteria provided, single submitter. Criteria: Myriad Autosomal Dominant, Autosomal Recessive and X-Linked Classification Criteria (2023). Collection method: clinical testing. Allele origin: unknown.
Comment: This variant is considered benign. This variant is a silent/synonymous amino acid change and it is not expected to impact splicing.